The following is an entry in ClinVar:

NM_000368.5(TSC1):c.1476A>C (p.Ala492=)

Gene: TSC1 (TSC complex subunit 1; minus strand). Cytogenetic location: 9q34.13.
Variant type: single nucleotide variant.
Coding change: c.1476A>C on transcript NM_000368.5 (MANE Select); coding-DNA position 1476, A replaced by C.
Protein change: p.Ala492=; no amino-acid change (alanine 492 retained).
Molecular consequence: synonymous variant.
Genome position (GRCh38, 1-based): chr9:132,906,102, T>G on the plus strand (A>C on the coding strand, the complement: TSC1 is on the minus strand). VCF-style: chr9-132906102-T-G. GRCh37 (hg19) VCF-style: chr9-135781489-T-G.
Other names: c.1473A>C, p.Ala491= (NM_001162426.2); c.1323A>C, p.Ala441= (NM_001162427.2); c.1113A>C, p.Ala371= (NM_001362177.2).
Identifiers: ClinVar variation 534494 (VCV000534494.12), dbSNP rs1554816067, ClinGen allele CA467591202.

ClinVar aggregate classification (germline): Benign/Likely benign. Review status: criteria provided, multiple submitters, no conflicts (2 of 4 stars). 3 submissions from 3 submitters: Benign (1); Likely benign (2). Last evaluated 2025-08-03.

Conditions:
Hereditary cancer-predisposing syndrome. Also called: Neoplastic Syndromes, Hereditary; Hereditary neoplastic syndrome; Tumor predisposition; Hereditary Cancer Syndrome. Identifiers: Orphanet 140162, MedGen C0027672, MeSH D009386, MONDO:0015356.
Tuberous sclerosis 1 (TSC1). Identifiers: Orphanet 805, MedGen C1854465, MONDO:0008612, OMIM 191100.

Allele frequency attached by ClinVar (database versions not stated): gnomAD exomes below 0.00001.
gnomAD v4.1: 4 of 1,613,728 alleles (0.00025%); highest among the groups gnomAD compares: African/African-American, 0.0013%; no homozygotes.

Submissions (3):

Labcorp Genetics (formerly Invitae), Labcorp
Classification: Likely benign for Tuberous sclerosis 1. Last evaluated: 2025-08-03. Review status: criteria provided, single submitter. Criteria: Invitae Variant Classification Sherloc (09022015). Collection method: clinical testing. Allele origin: germline.

Myriad Genetics, Inc.
Classification: Benign for Tuberous sclerosis 1. Last evaluated: 2025-04-09. Review status: criteria provided, single submitter. Criteria: Myriad Autosomal Dominant, Autosomal Recessive and X-Linked Classification Criteria (2023). Collection method: clinical testing. Allele origin: unknown.
Comment: This variant is considered benign. This variant is a silent/synonymous amino acid change and it is not expected to impact splicing.

Ambry Genetics
Classification: Likely benign for Hereditary cancer-predisposing syndrome. Last evaluated: 2022-07-17. Review status: criteria provided, single submitter. Criteria: Ambry Variant Classification Scheme 2023. Collection method: clinical testing. Allele origin: germline.